The following is an entry in ClinVar:

NM_000489.6(ATRX):c.2837G>C (p.Ser946Thr)

Gene: ATRX (ATRX chromatin remodeler; minus strand). Cytogenetic location: Xq21.1.
Variant type: single nucleotide variant.
Coding change: c.2837G>C on transcript NM_000489.6 (MANE Select); coding-DNA position 2837, G replaced by C.
Protein change: p.Ser946Thr; replaces serine 946 with threonine.
Molecular consequence: missense variant.
Genome position (GRCh38, 1-based): chrX:77,682,419, C>G on the plus strand (G>C on the coding strand, the complement: ATRX is on the minus strand). VCF-style: chrX-77682419-C-G. GRCh37 (hg19) VCF-style: chrX-76937911-C-G.
Other names: c.2723G>C, p.Ser908Thr (NM_138270.5); short protein forms S908T, S946T.
Identifiers: ClinVar variation 3625040 (VCV003625040.2).

ClinVar aggregate classification (germline): Uncertain significance (1 of 4 stars; one submission).

Conditions:
Alpha thalassemia-X-linked intellectual disability syndrome (ATRX). Also called: ALPHA-THALASSEMIA/MENTAL RETARDATION SYNDROME, X-LINKED; ATR, NONDELETION TYPE; ATR-X syndrome; Alpha thalassemia mental retardation syndrome, nondeletion type, X-linked; XLMR hypotonic face syndrome; X-linked alpha-thalassemia-mental retardation syndrome. Identifiers: Orphanet 847, MedGen C1845055, MONDO:0010519, OMIM 301040.

gnomAD v4.1: 2 of 1,209,554 alleles (0.00017%); highest among the groups gnomAD compares: Non-Finnish European, 0.00022%; no homozygotes.

Submission:

Labcorp Genetics (formerly Invitae), Labcorp
Classification: Uncertain significance for Alpha thalassemia-X-linked intellectual disability syndrome. Last evaluated: 2024-05-28. Review status: criteria provided, single submitter. Criteria: Invitae Variant Classification Sherloc (09022015). Collection method: clinical testing. Allele origin: germline.
Comment: This sequence change replaces serine, which is neutral and polar, with threonine, which is neutral and polar, at codon 946 of the ATRX protein (p.Ser946Thr). This variant is not present in population databases (gnomAD no frequency). This variant has not been reported in the literature in individuals affected with ATRX-related conditions. Advanced modeling of protein sequence and biophysical properties (such as structural, functional, and spatial information, amino acid conservation, physicochemical variation, residue mobility, and thermodynamic stability) performed at Invitae indicates that this missense variant is not expected to disrupt ATRX protein function with a negative predictive value of 95%. In summary, the available evidence is currently insufficient to determine the role of this variant in disease. Therefore, it has been classified as a Variant of Uncertain Significance.